The following is an entry in ClinVar:

NM_133433.4(NIPBL):c.1058A>G (p.Lys353Arg)

Gene: NIPBL (NIPBL cohesin loading factor; plus strand). Cytogenetic location: 5p13.2.
Variant type: single nucleotide variant.
Coding change: c.1058A>G on transcript NM_133433.4 (MANE Select); coding-DNA position 1058, A replaced by G.
Protein change: p.Lys353Arg; replaces lysine 353 with arginine.
Molecular consequence: missense variant.
Genome position (GRCh38, 1-based): chr5:36,975,965, A>G. VCF-style: chr5-36975965-A-G. GRCh37 (hg19) VCF-style: chr5-36976067-A-G.
Other names: c.1058A>G, p.Lys353Arg (NM_015384.5); short protein forms K353R.
Identifiers: ClinVar variation 904181 (VCV000904181.8), dbSNP rs1743395526, ClinGen allele CA359483871.

ClinVar aggregate classification (germline): Uncertain significance. Review status: criteria provided, multiple submitters, no conflicts (2 of 4 stars). 3 submissions from 3 submitters: Uncertain significance (3). Last evaluated 2025-12-11.

Conditions:
Cornelia de Lange syndrome 1 (CDLS1). Also called: Brachmann de Lange syndrome; NIPBL-Related Cornelia de Lange Syndrome; TYPUS DEGENERATIVUS AMSTELODAMENSIS. Identifiers: Orphanet 199, MedGen C4551851, MONDO:0007387, OMIM 122470.
Inborn genetic diseases. Identifiers: MedGen C0950123, MeSH D030342.

Allele frequency attached by ClinVar (database versions not stated): gnomAD exomes 0.00001.
gnomAD v4.1: 5 of 1,614,062 alleles (0.00031%); highest among the groups gnomAD compares: Non-Finnish European, 0.00042%; no homozygotes.

Submissions (3):

Ambry Genetics
Classification: Uncertain significance for Inborn genetic diseases. Last evaluated: 2025-12-11. Review status: criteria provided, single submitter. Criteria: Ambry Variant Classification Scheme 2023. Collection method: clinical testing. Allele origin: germline.

Labcorp Genetics (formerly Invitae), Labcorp
Classification: Uncertain significance for Cornelia de Lange syndrome 1. Last evaluated: 2023-11-27. Review status: criteria provided, single submitter. Criteria: Invitae Variant Classification Sherloc (09022015). Collection method: clinical testing. Allele origin: germline.
Comment: This sequence change replaces lysine, which is basic and polar, with arginine, which is basic and polar, at codon 353 of the NIPBL protein (p.Lys353Arg). This variant is not present in population databases (gnomAD no frequency). This variant has not been reported in the literature in individuals affected with NIPBL-related conditions. ClinVar contains an entry for this variant (Variation ID: 904181). Advanced modeling of protein sequence and biophysical properties (such as structural, functional, and spatial information, amino acid conservation, physicochemical variation, residue mobility, and thermodynamic stability) performed at Invitae indicates that this missense variant is expected to disrupt NIPBL protein function with a positive predictive value of 95%. In summary, the available evidence is currently insufficient to determine the role of this variant in disease. Therefore, it has been classified as a Variant of Uncertain Significance.

Illumina Laboratory Services, Illumina
Classification: Uncertain significance for Cornelia de Lange syndrome 1. Last evaluated: 2018-01-13. Review status: criteria provided, single submitter. Criteria: ICSL Variant Classification Criteria 13 December 2019. Collection method: clinical testing. Allele origin: germline.